The following is an entry in ClinVar:

ClinVar aggregate classification (germline): Pathogenic (1 of 4 stars; one submission).

gnomAD v4.1: 3 of 1,609,156 alleles (0.00019%); highest among the groups gnomAD compares: Non-Finnish European, 0.00025%; no homozygotes.

Submission:

GeneDx
Classification: Pathogenic. Last evaluated: 2024-12-15. Review status: criteria provided, single submitter. Criteria: GeneDx Variant Classification Process June 2021. Collection method: clinical testing. Allele origin: germline. Affected: yes.
Comment: Canonical splice site variant predicted to result in a null allele in a gene for which loss of function is a known mechanism of disease; Not observed at significant frequency in large population cohorts (gnomAD); This variant is associated with the following publications: (PMID: 29041934)

NM_018344.6(SLC29A3):c.610+1G>C

Gene: SLC29A3 (solute carrier family 29 member 3; plus strand). Cytogenetic location: 10q22.1.
Variant type: single nucleotide variant.
Coding change: c.610+1G>C on transcript NM_018344.6 (MANE Select); the canonical splice donor site of the intron after coding-DNA position 610, G replaced by C.
Molecular consequence: splice donor variant.
Genome position (GRCh38, 1-based): chr10:71,351,789, G>C. VCF-style: chr10-71351789-G-C. GRCh37 (hg19) VCF-style: chr10-73111546-G-C.
Other names: c.376+1G>C (NM_001363518.2); c.610+1G>C (NM_001174098.2).
Identifiers: ClinVar variation 3903174 (VCV003903174.1).